The following is an entry in ClinVar:

ClinVar aggregate classification (germline): Likely pathogenic (1 of 4 stars; one submission).

Submission:

Labcorp Genetics (formerly Invitae), Labcorp
Classification: Likely pathogenic. Last evaluated: 2022-02-09. Review status: criteria provided, single submitter. Criteria: Invitae Variant Classification Sherloc (09022015). Collection method: clinical testing. Allele origin: germline.
Comment: In summary, the currently available evidence indicates that the variant is pathogenic, but additional data are needed to prove that conclusively. Therefore, this variant has been classified as Likely Pathogenic. This variant has not been reported in the literature in individuals affected with LAMC2-related conditions. This variant results in the deletion of exon 10 and part of exon 11 (c.1285+288_1590delinsCAA) of the LAMC2 gene. It is expected to disrupt RNA splicing. Variants that disrupt the donor or acceptor splice site typically lead to a loss of protein function (PMID: 16199547), and loss-of-function variants in LAMC2 are known to be pathogenic (PMID: 11907499, 16473856).

Literature cited by the submitters: PubMed 16199547; PubMed 11907499; PubMed 16473856.

NC_000001.10:g.(?_183196339)_(183197630_?)del

Gene: LAMC2 (laminin subunit gamma 2; plus strand). Cytogenetic location: 1q25.3.
Variant type: Deletion.
Identifiers: ClinVar variation 1514605 (VCV001514605.5).